The following is an entry in ClinVar:

NM_001042492.3(NF1):c.7870G>A (p.Ala2624Thr)

Gene: NF1 (neurofibromin 1; plus strand). Cytogenetic location: 17q11.2.
Variant type: single nucleotide variant.
Coding change: c.7870G>A on transcript NM_001042492.3 (MANE Select); coding-DNA position 7870, G replaced by A.
Protein change: p.Ala2624Thr; replaces alanine 2624 with threonine.
Molecular consequence: missense variant.
Genome position (GRCh38, 1-based): chr17:31,357,269, G>A. VCF-style: chr17-31357269-G-A. GRCh37 (hg19) VCF-style: chr17-29684287-G-A.
Other names: c.7807G>A, p.Ala2603Thr (NM_000267.4); short protein forms A2603T, A2624T.
Identifiers: ClinVar variation 827269 (VCV000827269.13), dbSNP rs1597866802, ClinGen allele CA399018754.

ClinVar aggregate classification (germline): Uncertain significance. Review status: criteria provided, multiple submitters, no conflicts (2 of 4 stars). 5 submissions from 5 submitters: Uncertain significance (5). Last evaluated 2025-02-19.

Conditions:
Hereditary cancer-predisposing syndrome. Also called: Neoplastic Syndromes, Hereditary; Hereditary Cancer Syndrome; Hereditary neoplastic syndrome; Tumor predisposition. Identifiers: Orphanet 140162, MedGen C0027672, MeSH D009386, MONDO:0015356.
Cardiovascular phenotype. Identifiers: MedGen CN230736.
Neurofibromatosis, type 1 (NF1). Also called: Neurofibromatosis, type I; Peripheral type neurofibromatosis; VON RECKLINGHAUSEN DISEASE; NEUROFIBROMATOSIS, TYPE I, SOMATIC. Identifiers: Orphanet 636, MedGen C0027831, MONDO:0018975, OMIM 162200. Disease mechanism: loss of function.
Juvenile myelomonocytic leukemia (JMML). Also called: LEUKEMIA, JUVENILE MYELOMONOCYTIC, SOMATIC. Identifiers: Orphanet 86834, MedGen C0349639, MONDO:0011908, OMIM 607785, HP:0012209.

Allele frequency attached by ClinVar (database versions not stated): gnomAD exomes below 0.00001.
gnomAD v4.1: 2 of 1,613,594 alleles (0.00012%); highest among the groups gnomAD compares: Non-Finnish European, 0.00017%; no homozygotes.

Submissions (5):

Labcorp Genetics (formerly Invitae), Labcorp
Classification: Uncertain significance for Neurofibromatosis, type 1. Last evaluated: 2025-02-19. Review status: criteria provided, single submitter. Criteria: Invitae Variant Classification Sherloc (09022015). Collection method: clinical testing. Allele origin: germline.
Comment: This sequence change replaces alanine, which is neutral and non-polar, with threonine, which is neutral and polar, at codon 2603 of the NF1 protein (p.Ala2603Thr). This variant is not present in population databases (gnomAD no frequency). This variant has not been reported in the literature in individuals affected with NF1-related conditions. ClinVar contains an entry for this variant (Variation ID: 827269). An algorithm developed to predict the effect of missense changes on protein structure and function (PolyPhen-2) suggests that this variant is likely to be disruptive. In summary, the available evidence is currently insufficient to determine the role of this variant in disease. Therefore, it has been classified as a Variant of Uncertain Significance.

GeneDx
Classification: Uncertain significance. Last evaluated: 2024-08-16. Review status: criteria provided, single submitter. Criteria: GeneDx Variant Classification Process June 2021. Collection method: clinical testing. Allele origin: germline. Affected: yes.
Comment: Not observed at significant frequency in large population cohorts (gnomAD); In silico analysis supports that this missense variant has a deleterious effect on protein structure/function; Has not been previously published as pathogenic or benign to our knowledge; This variant is associated with the following publications: (PMID: 25486365)

Ambry Genetics
Classification: Uncertain significance for Cardiovascular phenotype; Hereditary cancer-predisposing syndrome. Last evaluated: 2024-07-24. Review status: criteria provided, single submitter. Criteria: Ambry Variant Classification Scheme 2023. Collection method: clinical testing. Allele origin: germline.
Comment: The p.A2603T variant (also known as c.7807G>A), located in coding exon 53 of the NF1 gene, results from a G to A substitution at nucleotide position 7807. This variant impacts the first base pair of coding exon 53. The alanine at codon 2603 is replaced by thymine, an amino acid with highly similar properties. This amino acid position is highly conserved in available vertebrate species. In addition, the in silico prediction for this alteration is inconclusive. Since supporting evidence is limited at this time, the clinical significance of this alteration remains unclear.

Baylor Genetics
Classification: Uncertain significance for Juvenile myelomonocytic leukemia. Last evaluated: 2024-03-29. Review status: criteria provided, single submitter. Criteria: ACMG Guidelines, 2015. Collection method: clinical testing. Allele origin: unknown.

Genome-Nilou Lab
Classification: Uncertain significance for Neurofibromatosis, type 1. Last evaluated: 2022-03-15. Review status: criteria provided, single submitter. Criteria: ACMG Guidelines, 2015. Collection method: clinical testing. Allele origin: germline. Affected: no.